The following is an entry in ClinVar:

ClinVar aggregate classification (germline): Likely pathogenic. Review status: criteria provided, multiple submitters, no conflicts (2 of 4 stars). 2 submissions from 2 submitters: Likely pathogenic (2). Last evaluated 2026-06-29.

Conditions:
Inborn genetic diseases. Identifiers: MedGen C0950123, MeSH D030342.

Submissions (2):

Ambry Genetics
Classification: Likely pathogenic for Inborn genetic diseases. Last evaluated: 2026-06-29. Review status: criteria provided, single submitter. Criteria: Ambry Variant Classification Scheme 2023. Collection method: clinical testing. Allele origin: germline.
Comment: The c.1813C>T (p.P605S) alteration is located in exon 5 (coding exon 4) of the ZBTB20 gene. This alteration results from a C to T substitution at nucleotide position 1813, causing the proline (P) at amino acid position 605 to be replaced by a serine (S). This variant was not reported in population-based cohorts in the Genome Aggregation Database (gnomAD). This variant was reported in individual(s) with features consistent with Primrose syndrome; in at least one individual, it was determined to be de novo (Melis, 2020, external communication). This amino acid position is highly conserved in available vertebrate species. This missense variant is located in a region that has a low rate of benign missense variation (Lek, 2016; Firth, 2009). The in silico prediction for this alteration is inconclusive. Based on the available evidence, this alteration is classified as likely pathogenic.

CeGaT Center for Human Genetics Tuebingen
Classification: Likely pathogenic. Last evaluated: 2018-12-01. Review status: criteria provided, single submitter. Criteria: CeGaT Center For Human Genetics Tuebingen Variant Classification Criteria Version 2. Collection method: clinical testing. Allele origin: germline. Affected: yes. Observed: 3 variant alleles.

Literature cited by the submitters: PubMed 32266967 (cited by Ambry Genetics).

NM_001348800.3(ZBTB20):c.1813C>T (p.Pro605Ser)

Gene: ZBTB20 (zinc finger and BTB domain containing 20; minus strand). Cytogenetic location: 3q13.31.
Variant type: single nucleotide variant.
Coding change: c.1813C>T on transcript NM_001348800.3 (MANE Select); coding-DNA position 1813, C replaced by T.
Protein change: p.Pro605Ser; replaces proline 605 with serine.
Molecular consequence: missense variant. On other transcripts: non-coding transcript variant (1).
Genome position (GRCh38, 1-based): chr3:114,339,418, G>A on the plus strand (C>T on the coding strand, the complement: ZBTB20 is on the minus strand). VCF-style: chr3-114339418-G-A. GRCh37 (hg19) VCF-style: chr3-114058265-G-A.
Other names: c.1813C>T (NM_001164342.1); c.1813C>T, p.Pro605Ser (NM_001164342.2, NM_001348803.3, NM_001393393.1 and 1 more transcripts); c.1594C>T, p.Pro532Ser (NM_001164343.2, NM_001164344.4, NM_001164345.4 and 9 more transcripts); short protein forms P532S, P605S.
Identifiers: ClinVar variation 809522 (VCV000809522.43), dbSNP rs1576220959, ClinGen allele CA354001965.